The following is an entry in ClinVar:

ClinVar aggregate classification (germline): Uncertain significance (1 of 4 stars; one submission).

Conditions:
Familial thoracic aortic aneurysm and aortic dissection (TAAD). Also called: Thoracic aortic aneurysms and dissections. Identifiers: Orphanet 91387, MedGen C4707243, MONDO:0019625.

Submission:

Color Diagnostics, LLC DBA Color Health
Classification: Uncertain significance for Familial thoracic aortic aneurysm and aortic dissection. Last evaluated: 2022-09-13. Review status: criteria provided, single submitter. Criteria: ACMG Guidelines, 2015. Collection method: clinical testing. Allele origin: germline.
Comment: This variant causes an A to C nucleotide substitution at the +4 position of intron 5 of the SMAD3 gene. Splice site prediction tools predict that this variant may have a significant impact on RNA splicing, however, this prediction has not been confirmed in published RNA studies. This variant has not been reported in individuals affected with cardiovascular disorders in the literature. This variant has not been identified in the general population by the Genome Aggregation Database (gnomAD). The available evidence is insufficient to determine the role of this variant in disease conclusively. Therefore, this variant is classified as a Variant of Uncertain Significance.

NM_005902.4(SMAD3):c.658+4A>C

Gene: SMAD3 (SMAD family member 3; plus strand). Cytogenetic location: 15q22.33.
Variant type: single nucleotide variant.
Coding change: c.658+4A>C on transcript NM_005902.4 (MANE Select); 4 bases into the intron after coding-DNA position 658, A replaced by C.
Molecular consequence: intron variant.
Genome position (GRCh38, 1-based): chr15:67,170,608, A>C. VCF-style: chr15-67170608-A-C. GRCh37 (hg19) VCF-style: chr15-67462946-A-C.
Other names: c.658+4A>C (NM_001407011.1, NM_001407013.1); c.526+4A>C (NM_001407012.1, NM_001145103.2); c.511+4A>C (NM_001407014.1); c.343+4A>C (NM_001145102.2, NM_001407016.1); c.211+4A>C (NM_001407015.1); c.73+4A>C (NM_001145104.2, NM_001407017.1).
Identifiers: ClinVar variation 2774511 (VCV002774511.2), dbSNP rs2505240291, ClinGen allele CA2697549142.